The following is an entry in ClinVar:

NM_182914.3(SYNE2):c.18394GAG[1] (p.Glu6133del)

Gene: SYNE2 (spectrin repeat containing nuclear envelope protein 2; plus strand). Cytogenetic location: 14q23.2.
Variant type: Microsatellite.
Coding change: c.18394GAG[1] on transcript NM_182914.3 (MANE Select); one copy of the 3-base unit GAG starting at c.18394; the reference has two copies in a row; one copy, 3 bases deleted.
Protein change: p.Glu6133del; deletes glutamic acid 6133.
Molecular consequence: inframe deletion.
Genome position (GRCh38, 1-based): chr14:64,209,435-64,209,437, GAG deleted; deleting any 3 consecutive bases within chr14:64,209,432-64,209,437 gives the same sequence; the position shown is the placement nearest the transcript's 3' end. VCF-style (leftmost placement, unchanged base first): chr14-64209431-CGAG-C. GRCh37 (hg19) VCF-style: chr14-64676149-CGAG-C.
Other names: c.18394GAG[1], p.Glu6133del (NM_015180.6); short protein forms E6133del.
Identifiers: ClinVar variation 1935603 (VCV001935603.5), dbSNP rs1567649807, ClinGen allele CA614403317.
Genomic context (GRCh38, chr14:64,209,431, plus strand): 5'-TGCAAAAGCACAGGCTTGGAGGGGATGGCTTGTGTTAAGTTGCTTTGCTCCCATCAGAAT[CGAG>C]GAGACGTGGCGCCTGTGGCAGAAGTTTTTAGACGACTATTCTCGCTTTGAGGACTGGCTC-3'

ClinVar aggregate classification (germline): Uncertain significance (1 of 4 stars; one submission).

Conditions:
Emery-Dreifuss muscular dystrophy 5, autosomal dominant (EDMD5). Also called: EMERY-DREIFUSS MUSCULAR DYSTROPHY 5. Identifiers: Orphanet 261, MedGen C2751805, MONDO:0013072, OMIM 612999.

Submission:

Labcorp Genetics (formerly Invitae), Labcorp
Classification: Uncertain significance for Emery-Dreifuss muscular dystrophy 5, autosomal dominant. Last evaluated: 2024-02-06. Review status: criteria provided, single submitter. Criteria: Invitae Variant Classification Sherloc (09022015). Collection method: clinical testing. Allele origin: germline.
Comment: This variant, c.18397_18399del, results in the deletion of 1 amino acid(s) of the SYNE2 protein (p.Glu6133del), but otherwise preserves the integrity of the reading frame. This variant is present in population databases (no rsID available, gnomAD 0.006%). This variant has not been reported in the literature in individuals affected with SYNE2-related conditions. Experimental studies and prediction algorithms are not available or were not evaluated, and the functional significance of this variant is currently unknown. In summary, the available evidence is currently insufficient to determine the role of this variant in disease. Therefore, it has been classified as a Variant of Uncertain Significance.